The following is an entry in ClinVar:

NM_203447.4(DOCK8):c.4958C>A (p.Thr1653Asn)

Gene: DOCK8 (dedicator of cytokinesis 8; plus strand). Cytogenetic location: 9p24.3.
Variant type: single nucleotide variant.
Coding change: c.4958C>A on transcript NM_203447.4 (MANE Select); coding-DNA position 4958, C replaced by A.
Protein change: p.Thr1653Asn; replaces threonine 1653 with asparagine.
Molecular consequence: missense variant.
Genome position (GRCh38, 1-based): chr9:434,854, C>A. VCF-style: chr9-434854-C-A. GRCh37 (hg19) VCF-style: chr9-434854-C-A.
Other names: c.4658C>A, p.Thr1553Asn (NM_001190458.2); c.4754C>A, p.Thr1585Asn (NM_001193536.2); short protein forms T1553N, T1653N, T1585N.
Identifiers: ClinVar variation 969529 (VCV000969529.11), dbSNP rs1401659010, ClinGen allele CA372767334.

ClinVar aggregate classification (germline): Uncertain significance. Review status: criteria provided, multiple submitters, no conflicts (2 of 4 stars). 2 submissions from 2 submitters: Uncertain significance (2). Last evaluated 2023-08-02.

Conditions:
Inborn genetic diseases. Identifiers: MedGen C0950123, MeSH D030342.

Allele frequency attached by ClinVar (database versions not stated): gnomAD 0.00001; TOPMed 0.00001.
gnomAD v4.1: 14 of 1,614,038 alleles (0.00087%); highest among the groups gnomAD compares: Admixed American, 0.0033%; no homozygotes.

Submissions (2):

Ambry Genetics
Classification: Uncertain significance for Inborn genetic diseases. Last evaluated: 2023-08-02. Review status: criteria provided, single submitter. Criteria: Ambry Variant Classification Scheme 2023. Collection method: clinical testing. Allele origin: germline.

Labcorp Genetics (formerly Invitae), Labcorp
Classification: Uncertain significance for Combined immunodeficiency due to DOCK8 deficiency. Last evaluated: 2020-02-02. Review status: criteria provided, single submitter. Criteria: Invitae Variant Classification Sherloc (09022015). Collection method: clinical testing. Allele origin: germline.
Comment: In summary, the available evidence is currently insufficient to determine the role of this variant in disease. Therefore, it has been classified as a Variant of Uncertain Significance. Algorithms developed to predict the effect of missense changes on protein structure and function (SIFT, PolyPhen-2, Align-GVGD) all suggest that this variant is likely to be tolerated, but these predictions have not been confirmed by published functional studies and their clinical significance is uncertain. This variant has not been reported in the literature in individuals with DOCK8-related conditions. This variant is not present in population databases (ExAC no frequency). This sequence change replaces threonine with asparagine at codon 1653 of the DOCK8 protein (p.Thr1653Asn). The threonine residue is moderately conserved and there is a small physicochemical difference between threonine and asparagine.